The following is an entry in ClinVar:

ClinVar aggregate classification (germline): Uncertain significance (1 of 4 stars; one submission).

gnomAD v4.1: 1 of 1,614,046 alleles (0.000062%); highest among the groups gnomAD compares: Non-Finnish European, 0.000085%; no homozygotes.

Submission:

GeneDx
Classification: Uncertain significance. Last evaluated: 2025-06-10. Review status: criteria provided, single submitter. Criteria: GeneDx Variant Classification Process June 2021. Collection method: clinical testing. Allele origin: germline. Affected: yes.
Comment: Not observed at significant frequency in large population cohorts (gnomAD); In silico analysis supports that this missense variant has a deleterious effect on protein structure/function; Has not been previously published as pathogenic or benign to our knowledge

NM_001375524.1(TRRAP):c.6328C>T (p.Arg2110Cys)

Gene: TRRAP (transformation/transcription domain associated protein; plus strand). Cytogenetic location: 7q22.1.
Variant type: single nucleotide variant.
Coding change: c.6328C>T on transcript NM_001375524.1 (MANE Select); coding-DNA position 6328, C replaced by T.
Protein change: p.Arg2110Cys; replaces arginine 2110 with cysteine.
Molecular consequence: missense variant.
Genome position (GRCh38, 1-based): chr7:98,958,077, C>T. VCF-style: chr7-98958077-C-T. GRCh37 (hg19) VCF-style: chr7-98555700-C-T.
Other names: c.6307C>T, p.Arg2103Cys (NM_001244580.2); c.6253C>T, p.Arg2085Cys (NM_003496.4); short protein forms R2085C, R2103C, R2110C.
Identifiers: ClinVar variation 4537642 (VCV004537642.1).
Genomic context (GRCh38, chr7:98,958,077, plus strand): 5'-TCTCTCCTCGCCAAGCCCATTGACAAGCAGCACACAGACACTGTGGTGAACTTCCTTATC[C>T]GCGTGGCCTGTCAGGTACGGGATCCAAGTGCCCTGCGTTAGGGCTTCTGCAGACCAGAGG-3'
Protein context (NP_001362453.1, residues 2100-2120): HTDTVVNFLI[Arg2110Cys]VACQVNDNTN